The following is an entry in ClinVar:

ClinVar aggregate classification (germline): Likely benign (0 of 4 stars; one submission).

Conditions:
SLFN14-related disorder. Also called: SLFN14-related condition.

Allele frequency attached by ClinVar (database versions not stated): TOPMed 0.00001; gnomAD 0.00002; gnomAD exomes 0.00002.
gnomAD v4.1: 27 of 1,551,548 alleles (0.0017%); highest among the groups gnomAD compares: Non-Finnish European, 0.002%; no homozygotes.

Submission:

PreventionGenetics, part of Exact Sciences
Classification: Likely benign for SLFN14-related condition. Last evaluated: 2019-06-20. Review status: no assertion criteria provided. Collection method: clinical testing. Allele origin: germline.
Comment: This variant is classified as likely benign based on ACMG/AMP sequence variant interpretation guidelines (Richards et al. 2015 PMID: 25741868, with internal and published modifications).

NM_001129820.2(SLFN14):c.588C>T (p.Leu196=)

Gene: SLFN14 (schlafen family member 14; minus strand). Cytogenetic location: 17q12.
Variant type: single nucleotide variant.
Coding change: c.588C>T on transcript NM_001129820.2 (MANE Select); coding-DNA position 588, C replaced by T.
Protein change: p.Leu196=; no amino-acid change (leucine 196 retained).
Molecular consequence: synonymous variant.
Genome position (GRCh38, 1-based): chr17:35,557,475, G>A on the plus strand (C>T on the coding strand, the complement: SLFN14 is on the minus strand). VCF-style: chr17-35557475-G-A. GRCh37 (hg19) VCF-style: chr17-33884494-G-A.
Identifiers: ClinVar variation 3043276 (VCV003043276.2), dbSNP rs934418058, ClinGen allele CA290056854.